The following is an entry in ClinVar:

ClinVar aggregate classification (germline): Pathogenic (1 of 4 stars; one submission).

Submission:

Labcorp Genetics (formerly Invitae), Labcorp
Classification: Pathogenic. Last evaluated: 2025-07-31. Review status: criteria provided, single submitter. Criteria: Invitae Variant Classification Sherloc (09022015). Collection method: clinical testing. Allele origin: germline.
Comment: This sequence change creates a premature translational stop signal (p.Tyr177*) in the CTNNA1 gene. It is expected to result in an absent or disrupted protein product. Loss-of-function variants in CTNNA1 are known to be pathogenic (PMID: 32051609, 34425242). This variant is not present in population databases (gnomAD no frequency). This variant has not been reported in the literature in individuals affected with CTNNA1-related conditions. ClinVar contains an entry for this variant (Variation ID: 1475146). Experimental studies and prediction algorithms are not available or were not evaluated, and the functional significance of this variant is currently unknown. For these reasons, this variant has been classified as Pathogenic.

Literature cited by the submitters: PubMed 32051609; PubMed 34425242.

NM_001903.5(CTNNA1):c.531T>G (p.Tyr177Ter)

Gene: CTNNA1 (catenin alpha 1; plus strand). Cytogenetic location: 5q31.2.
Variant type: single nucleotide variant.
Coding change: c.531T>G on transcript NM_001903.5 (MANE Select); coding-DNA position 531, T replaced by G.
Protein change: p.Tyr177Ter; replaces tyrosine 177 with a stop codon.
Molecular consequence: nonsense.
Genome position (GRCh38, 1-based): chr5:138,812,245, T>G. VCF-style: chr5-138812245-T-G. GRCh37 (hg19) VCF-style: chr5-138147934-T-G.
Other names: c.531T>G, p.Tyr177Ter (NM_001290307.3, NM_001323982.2, NM_001323983.1 and 3 more transcripts); c.222T>G, p.Tyr74Ter (NM_001290309.3); c.162T>G, p.Tyr54Ter (NM_001290310.3); short protein forms Y54*, Y74*, Y177*.
Identifiers: ClinVar variation 1475146 (VCV001475146.6), dbSNP rs2149736690, ClinGen allele CA361125323.
Genomic context (GRCh38, chr5:138,812,245, plus strand): 5'-GGAAGATGGTATCTTGAAGTTGAGGAATGCTGGCAATGAACAAGACTTAGGAATCCAGTA[T>G]AAAGCCCTAAAACCTGAAGTGGATAAGCTGAACATTATGGCAGCCAAAAGACAACAGGTA-3'